The following is an entry in ClinVar:

NM_000744.7(CHRNA4):c.274G>C (p.Glu92Gln)

Genes: CHRNA4 (cholinergic receptor nicotinic alpha 4 subunit; minus strand), LOC126863087 (P300/CBP strongly-dependent group 1 enhancer GRCh37_chr20:61986832-61988031; plus strand). Cytogenetic location: 20q13.33.
Variant type: single nucleotide variant.
Coding change: c.274G>C on transcript NM_000744.7 (MANE Select); coding-DNA position 274, G replaced by C.
Protein change: p.Glu92Gln; replaces glutamic acid 92 with glutamine.
Molecular consequence: missense variant. On other transcripts: 5 prime UTR variant (1), non-coding transcript variant (1).
Genome position (GRCh38, 1-based): chr20:63,356,084, C>G on the plus strand (G>C on the coding strand, the complement: CHRNA4 is on the minus strand). VCF-style: chr20-63356084-C-G. GRCh37 (hg19) VCF-style: chr20-61987436-C-G.
Other names: p.E92Q:GAG>CAG; c.-273G>C (NM_001256573.2); short protein forms E92Q.
Identifiers: ClinVar variation 205043 (VCV000205043.61), dbSNP rs146651027, ClinGen allele CA313605.

ClinVar aggregate classification (germline): Conflicting classifications of pathogenicity. Review status: criteria provided, conflicting classifications (1 of 4 stars). 9 submissions from 8 submitters: Uncertain significance (2); Benign (1); Likely benign (4). 2 of the submissions do not count toward it. Last evaluated 2026-04-01.

Conditions:
CHRNA4-related disorder. Also called: CHRNA4-related condition.
Familial sleep-related hypermotor epilepsy. Also called: Autosomal Dominant Sleep-Related Hypermotor (Hyperkinetic) Epilepsy. Identifiers: Orphanet 98784, MedGen C3696898, MONDO:0000030.
Inborn genetic diseases. Identifiers: MedGen C0950123, MeSH D030342.
Autosomal dominant nocturnal frontal lobe epilepsy 1. Also called: CHRNA4-Related Nocturnal Frontal Lobe Epilepsy, Autosomal Dominant; EPILEPSY, NOCTURNAL FRONTAL LOBE, TYPE 1. Identifiers: Orphanet 98784, MedGen C1838049, MONDO:0010899, OMIM 600513.
Tobacco addiction, susceptibility to. Also called: CIGARETTE HABITUATION, SUSCEPTIBILITY TO. Identifiers: MedGen C1861063, MONDO:0100460, OMIM 188890.

Allele frequency attached by ClinVar (database versions not stated): ESP Exome Variant Server 0.00023; TOPMed 0.00024; gnomAD 0.00029 and 0.00030; gnomAD exomes 0.00035 and 0.00041; ExAC 0.00045; 1000 Genomes Project 0.00060; 1000 Genomes Project 30x 0.00109.

Submissions (9):

Ambry Genetics
Classification: Likely benign for Inborn genetic diseases. Last evaluated: 2026-04-01. Review status: criteria provided, single submitter. Criteria: Ambry Variant Classification Scheme 2023. Collection method: clinical testing. Allele origin: germline.

Labcorp Genetics (formerly Invitae), Labcorp
Classification: Likely benign. Last evaluated: 2025-11-24. Review status: criteria provided, single submitter. Criteria: Invitae Variant Classification Sherloc (09022015). Collection method: clinical testing. Allele origin: germline.

Blueprint Genetics
Classification: Likely benign. Last evaluated: 2024-11-08. Review status: criteria provided, single submitter. Criteria: ACMG Guidelines, 2015. Collection method: clinical testing. Allele origin: germline.

CeGaT Center for Human Genetics Tuebingen
Classification: Likely benign. Last evaluated: 2022-07-01. Review status: criteria provided, single submitter. Criteria: CeGaT Center For Human Genetics Tuebingen Variant Classification Criteria Version 2. Collection method: clinical testing. Allele origin: germline. Affected: yes. Observed: 5 variant alleles.
Comment: CHRNA4: PP3, BS1

Center for Genomics, Ann and Robert H. Lurie Children's Hospital of Chicago
Classification: Uncertain significance for Autosomal dominant nocturnal frontal lobe epilepsy 1. Last evaluated: 2018-08-27. Review status: criteria provided, single submitter. Criteria: ACMG Guidelines, 2015. Collection method: clinical testing. Allele origin: germline.
Comment: CHRNA4 NM_000744.6 exon 4 c.274G>A (p.Glu92Gln): This variant has not been reported in the literature and is present in 0.06% (75/119670) of European alleles in the Genome Aggregation Database. This variant is present in ClinVar (Variation ID:205043). Evolutionary conservation of this residue suggests that this may impact the protein, but computational predictive tools for this variant are conflicting. Of note, computational tools designed to predict splicing suggest a potential effect from this variant. However, further studies are needed to understand its impact. In summary, data on this variant is insufficient for disease classification. Therefore, the clinical significance of this variant is uncertain.

GeneDx
Classification: Benign. Last evaluated: 2017-10-03. Review status: criteria provided, single submitter. Criteria: GeneDx Variant Classification (06012015). Collection method: clinical testing. Allele origin: germline. Affected: yes.
Comment: This variant is considered likely benign or benign based on one or more of the following criteria: it is a conservative change, it occurs at a poorly conserved position in the protein, it is predicted to be benign by multiple in silico algorithms, and/or has population frequency not consistent with disease.

Center for Genomics, Ann and Robert H. Lurie Children's Hospital of Chicago
Classification: Uncertain significance for Tobacco addiction, susceptibility to; Autosomal dominant nocturnal frontal lobe epilepsy 1. Review status: criteria provided, single submitter. Criteria: ACMG Guidelines, 2015. Collection method: clinical testing. Allele origin: germline.
Comment: the same text as in the submission from Center for Genomics, Ann and Robert H. Lurie Children's Hospital of Chicago above.

PreventionGenetics, part of Exact Sciences
Classification: Likely benign for CHRNA4-related condition. Last evaluated: 2023-02-07. Review status: no assertion criteria provided. Collection method: clinical testing. Allele origin: germline. Not counted in ClinVar's aggregate classification.
Comment: This variant is classified as likely benign based on ACMG/AMP sequence variant interpretation guidelines (Richards et al. 2015 PMID: 25741868, with internal and published modifications).

Division of Human Genetics, Children's Hospital of Philadelphia
Classification: Uncertain significance for Autosomal dominant nocturnal frontal lobe epilepsy 1; Tobacco addiction, susceptibility to. Last evaluated: 2016-07-03. Review status: no assertion criteria provided. Collection method: research. Allele origin: maternal. Affected: yes. Study: CSER-PediSeq. Not counted in ClinVar's aggregate classification.